The following is an entry in ClinVar:

ClinVar aggregate classification (germline): Uncertain significance (1 of 4 stars; one submission).

Conditions:
CYLD-related disorder. Also called: CYLD-related condition.

Allele frequency attached by ClinVar (database versions not stated): ExAC 0.00001; gnomAD 0.00003; TOPMed 0.00004.
gnomAD v4.1: 5 of 1,613,568 alleles (0.00031%); highest among the groups gnomAD compares: African/African-American, 0.0053%; no homozygotes.

Submission:

PreventionGenetics, part of Exact Sciences
Classification: Uncertain significance for CYLD-related condition. Last evaluated: 2023-09-27. Review status: criteria provided, single submitter. Criteria: ACMG Guidelines, 2015. Collection method: clinical testing. Allele origin: germline.
Comment: The CYLD c.1276A>T variant is predicted to result in the amino acid substitution p.Met426Leu. To our knowledge, this variant has not been reported in the literature. This variant is reported in 0.012% of alleles in individuals of African descent in gnomAD. At this time, the clinical significance of this variant is uncertain due to the absence of conclusive functional and genetic evidence.

NM_001378743.1(CYLD):c.1276A>T (p.Met426Leu)

Gene: CYLD (CYLD lysine 63 deubiquitinase; plus strand). Cytogenetic location: 16q12.1.
Variant type: single nucleotide variant.
Coding change: c.1276A>T on transcript NM_001378743.1 (MANE Select); coding-DNA position 1276, A replaced by T.
Protein change: p.Met426Leu; replaces methionine 426 with leucine.
Molecular consequence: missense variant. On other transcripts: non-coding transcript variant (1).
Genome position (GRCh38, 1-based): chr16:50,779,802, A>T. VCF-style: chr16-50779802-A-T. GRCh37 (hg19) VCF-style: chr16-50813713-A-T.
Other names: c.1267A>T, p.Met423Leu (NM_001042355.2, NM_001042412.3, NM_001378744.1 and 6 more transcripts); c.1237A>T, p.Met413Leu (NM_001378751.1, NM_001378752.1, NM_001378753.1); c.601A>T, p.Met201Leu (NM_001378754.1, NM_001378755.1); c.1276A>T, p.Met426Leu (NM_015247.3); short protein forms M201L, M413L, M423L, M426L.
Identifiers: ClinVar variation 2628728 (VCV002628728.1), dbSNP rs770246549, ClinGen allele CA8052378.
Genomic context (GRCh38, chr16:50,779,802, plus strand): 5'-CCTGTGAACTCACTGACCACCGAGAACAGATTCCACTCTTTACCATTCAGTCTCACCAAG[A>T]TGCCCAATACCAATGGAAGTATTGGCCACAGTCCACTTTCTCTGTCAGCCCAGTCTGTAA-3'
Protein context (NP_001365672.1, residues 416-436): FHSLPFSLTK[Met426Leu]PNTNGSIGHS